The following is an entry in ClinVar:

NM_015662.3(IFT172):c.3616C>G (p.Gln1206Glu)

Genes: IFT172 (intraflagellar transport 172; minus strand), LOC126806173 (BRD4-independent group 4 enhancer GRCh37_chr2:27676057-27677256; plus strand). Cytogenetic location: 2p23.3.
Variant type: single nucleotide variant.
Coding change: c.3616C>G on transcript NM_015662.3 (MANE Select); coding-DNA position 3616, C replaced by G.
Protein change: p.Gln1206Glu; replaces glutamine 1206 with glutamic acid.
Molecular consequence: missense variant.
Genome position (GRCh38, 1-based): chr2:27,454,077, G>C on the plus strand (C>G on the coding strand, the complement: IFT172 is on the minus strand). VCF-style: chr2-27454077-G-C. GRCh37 (hg19) VCF-style: chr2-27676944-G-C.
Other names: short protein forms Q1206E.
Identifiers: ClinVar variation 1467207 (VCV001467207.8), dbSNP rs1313893050, ClinGen allele CA346378465.

ClinVar aggregate classification (germline): Uncertain significance (1 of 4 stars; one submission).

Conditions:
Retinitis pigmentosa 71 (RP71). Identifiers: Orphanet 791, MedGen C4225342, MONDO:0014618, OMIM 616394.
Short-rib thoracic dysplasia 10 with or without polydactyly (SRTD10). Identifiers: Orphanet 474, MedGen C3810175, MONDO:0014284, OMIM 615630.

Allele frequency attached by ClinVar (database versions not stated): gnomAD exomes below 0.00001.
gnomAD v4.1: 1 of 1,614,098 alleles (0.000062%); highest among the groups gnomAD compares: East Asian, 0.0022%; no homozygotes.

Submission:

Labcorp Genetics (formerly Invitae), Labcorp
Classification: Uncertain significance for Retinitis pigmentosa 71; Short-rib thoracic dysplasia 10 with or without polydactyly. Last evaluated: 2021-07-26. Review status: criteria provided, single submitter. Criteria: Invitae Variant Classification Sherloc (09022015). Collection method: clinical testing. Allele origin: germline.
Comment: This variant has not been reported in the literature in individuals affected with IFT172-related conditions. This sequence change replaces glutamine with glutamic acid at codon 1206 of the IFT172 protein (p.Gln1206Glu). The glutamine residue is highly conserved and there is a small physicochemical difference between glutamine and glutamic acid. This variant is not present in population databases (ExAC no frequency). Algorithms developed to predict the effect of missense changes on protein structure and function are either unavailable or do not agree on the potential impact of this missense change (SIFT: "Deleterious"; PolyPhen-2: "Probably Damaging"; Align-GVGD: "Class C0"). In summary, the available evidence is currently insufficient to determine the role of this variant in disease. Therefore, it has been classified as a Variant of Uncertain Significance.